The following is an entry in ClinVar:

ClinVar aggregate classification (germline): Conflicting classifications of pathogenicity. Review status: criteria provided, conflicting classifications (1 of 4 stars). 2 submissions from 2 submitters: Likely pathogenic (1); Uncertain significance (1). Last evaluated 2022-10-24.

Conditions:
Renal carnitine transport defect (CDSP). Also called: Systemic primary carnitine deficiency; Carnitine transporter deficiency; Systemic primary carnitine deficiency disease; CARNITINE DEFICIENCY, SYSTEMIC, DUE TO DEFECT IN RENAL REABSORPTION OF CARNITINE; Primary carnitine deficiency; CARNITINE TRANSPORTER, PLASMA-MEMBRANE, DEFICIENCY OF. Identifiers: Orphanet 158, MedGen C0342788, MONDO:0008919, OMIM 212140.

Allele frequency attached by ClinVar (database versions not stated): TOPMed below 0.00001; ExAC 0.00002.
gnomAD v4.1: 7 of 1,613,304 alleles (0.00043%); highest among the groups gnomAD compares: South Asian, 0.0066%; no homozygotes.

Submissions (2):

Labcorp Genetics (formerly Invitae), Labcorp
Classification: Uncertain significance for Renal carnitine transport defect. Last evaluated: 2022-10-24. Review status: criteria provided, single submitter. Criteria: Invitae Variant Classification Sherloc (09022015). Collection method: clinical testing. Allele origin: germline.
Comment: This sequence change replaces glycine, which is neutral and non-polar, with glutamic acid, which is acidic and polar, at codon 15 of the SLC22A5 protein (p.Gly15Glu). This variant is present in population databases (rs751129547, gnomAD 0.007%). This variant has not been reported in the literature in individuals affected with SLC22A5-related conditions. ClinVar contains an entry for this variant (Variation ID: 1065994). Advanced modeling of protein sequence and biophysical properties (such as structural, functional, and spatial information, amino acid conservation, physicochemical variation, residue mobility, and thermodynamic stability) performed at Invitae indicates that this missense variant is expected to disrupt SLC22A5 protein function. This variant disrupts the p.Gly15 amino acid residue in SLC22A5. Other variant(s) that disrupt this residue have been determined to be pathogenic (PMID: 20027113, 20574985, 21922592). This suggests that this residue is clinically significant, and that variants that disrupt this residue are likely to be disease-causing. In summary, the available evidence is currently insufficient to determine the role of this variant in disease. Therefore, it has been classified as a Variant of Uncertain Significance.

Giacomini Lab, University of California, San Francisco
Classification: Likely pathogenic for Renal carnitine transport defect. Last evaluated: 2022-10-03. Review status: criteria provided, single submitter. Criteria: ACMG Guidelines, 2015. Collection method: research, in vitro. Allele origin: germline, not applicable.

Literature cited by the submitters: PubMed 20027113 (cited by Labcorp Genetics (formerly Invitae), Labcorp); PubMed 20574985 (cited by Labcorp Genetics (formerly Invitae), Labcorp); PubMed 21922592 (cited by Labcorp Genetics (formerly Invitae), Labcorp).

NM_003060.4(SLC22A5):c.44G>A (p.Gly15Glu)

Gene: SLC22A5 (solute carrier family 22 member 5; plus strand). Cytogenetic location: 5q31.1.
Variant type: single nucleotide variant.
Coding change: c.44G>A on transcript NM_003060.4 (MANE Select); coding-DNA position 44, G replaced by A.
Protein change: p.Gly15Glu; replaces glycine 15 with glutamic acid.
Molecular consequence: missense variant.
Genome position (GRCh38, 1-based): chr5:132,370,016, G>A. VCF-style: chr5-132370016-G-A. GRCh37 (hg19) VCF-style: chr5-131705708-G-A.
Other names: p.Gly15Glu; c.44G>A, p.Gly15Glu (NM_001308122.2); short protein forms G15E.
Identifiers: ClinVar variation 1065994 (VCV001065994.8), dbSNP rs751129547, ClinGen allele CA3403772.